The following is an entry in ClinVar:

ClinVar aggregate classification (germline): Conflicting classifications of pathogenicity. Review status: criteria provided, conflicting classifications (1 of 4 stars). 5 submissions from 5 submitters: Uncertain significance (4); Likely benign (1). Last evaluated 2025-12-19.

Conditions:
Cardiovascular phenotype. Identifiers: MedGen CN230736.
Catecholaminergic polymorphic ventricular tachycardia 1. Also called: VENTRICULAR TACHYCARDIA, CATECHOLAMINERGIC POLYMORPHIC, 1, WITH OR WITHOUT ATRIAL DYSFUNCTION AND/OR DILATED CARDIOMYOPATHY; RYR2-Related Catecholaminergic Polymorphic Ventricular Tachycardia; VENTRICULAR TACHYCARDIA, STRESS-INDUCED POLYMORPHIC 1. Identifiers: Orphanet 3286, MedGen C1631597, MONDO:0011484, OMIM 604772.

Allele frequency attached by ClinVar (database versions not stated): ExAC 0.00001; gnomAD exomes 0.00001 and 0.00002; TOPMed 0.00003; gnomAD 0.00009.

Submissions (5):

Labcorp Genetics (formerly Invitae), Labcorp
Classification: Uncertain significance for Catecholaminergic polymorphic ventricular tachycardia 1. Last evaluated: 2025-12-19. Review status: criteria provided, single submitter. Criteria: Invitae Variant Classification Sherloc (09022015). Collection method: clinical testing. Allele origin: germline.
Comment: This sequence change replaces threonine, which is neutral and polar, with isoleucine, which is neutral and non-polar, at codon 27 of the CASQ2 protein (p.Thr27Ile). This variant is present in population databases (rs773237428, gnomAD 0.009%). This variant has not been reported in the literature in individuals affected with CASQ2-related conditions. ClinVar contains an entry for this variant (Variation ID: 667080). Invitae Evidence Modeling of protein sequence and biophysical properties (such as structural, functional, and spatial information, amino acid conservation, physicochemical variation, residue mobility, and thermodynamic stability) indicates that this missense variant is not expected to disrupt CASQ2 protein function with a negative predictive value of 80%. In summary, the available evidence is currently insufficient to determine the role of this variant in disease. Therefore, it has been classified as a Variant of Uncertain Significance.

Ambry Genetics
Classification: Uncertain significance for Cardiovascular phenotype. Last evaluated: 2025-01-09. Review status: criteria provided, single submitter. Criteria: Ambry Variant Classification Scheme 2023. Collection method: clinical testing. Allele origin: germline.

Women's Health and Genetics/Laboratory Corporation of America, LabCorp
Classification: Uncertain significance. Last evaluated: 2024-08-03. Review status: criteria provided, single submitter. Criteria: LabCorp Variant Classification Summary - May 2015. Collection method: clinical testing. Allele origin: germline.

GeneDx
Classification: Uncertain significance. Last evaluated: 2024-07-17. Review status: criteria provided, single submitter. Criteria: GeneDx Variant Classification Process June 2021. Collection method: clinical testing. Allele origin: germline. Affected: yes.
Comment: Not observed at significant frequency in large population cohorts (gnomAD); In silico analysis indicates that this missense variant does not alter protein structure/function; Has not been previously published as pathogenic or benign to our knowledge

Laboratory for Molecular Medicine, Mass General Brigham Personalized Medicine
Classification: Likely benign. Last evaluated: 2018-10-24. Review status: criteria provided, single submitter. Criteria: LMM Criteria. Collection method: clinical testing. Allele origin: germline. Observed: 1 variant allele.
Comment: The p.Thr27Ile variant in CASQ2 is classified as likely benign due to a lack of conservation across species. 5 mammals (guinea pig, chinchilla, camel, alpaca, m anatee) carry an Isoleucine (Ile) at this position despite high nearby amino aci d conservation. It has been identified in 5/251286 chromosomes by gnomAD. ACMG/AMP Criteria applied: BP4_Strong.

NM_001232.4(CASQ2):c.80C>T (p.Thr27Ile)

Gene: CASQ2 (calsequestrin 2; minus strand). Cytogenetic location: 1p13.1.
Variant type: single nucleotide variant.
Coding change: c.80C>T on transcript NM_001232.4 (MANE Select); coding-DNA position 80, C replaced by T.
Protein change: p.Thr27Ile; replaces threonine 27 with isoleucine.
Molecular consequence: missense variant.
Genome position (GRCh38, 1-based): chr1:115,768,462, G>A on the plus strand (C>T on the coding strand, the complement: CASQ2 is on the minus strand). VCF-style: chr1-115768462-G-A. GRCh37 (hg19) VCF-style: chr1-116311083-G-A.
Other names: short protein forms T27I.
Identifiers: ClinVar variation 667080 (VCV000667080.13), dbSNP rs773237428, ClinGen allele CA1024003.